The following is an entry in ClinVar:

ClinVar aggregate classification (germline): Uncertain significance (1 of 4 stars; one submission).

gnomAD v4.1: 19 of 1,614,014 alleles (0.0012%); highest among the groups gnomAD compares: Non-Finnish European, 0.0016%; no homozygotes.

Submission:

Labcorp Genetics (formerly Invitae), Labcorp
Classification: Uncertain significance. Last evaluated: 2025-09-19. Review status: criteria provided, single submitter. Criteria: Invitae Variant Classification Sherloc (09022015). Collection method: clinical testing. Allele origin: germline.
Comment: This sequence change replaces phenylalanine, which is neutral and non-polar, with leucine, which is neutral and non-polar, at codon 100 of the ARHGEF10 protein (p.Phe100Leu). This variant is present in population databases (rs773363141, gnomAD 0.003%). This variant has not been reported in the literature in individuals affected with ARHGEF10-related conditions. An algorithm developed to predict the effect of missense changes on protein structure and function outputs the following: PolyPhen-2: "Benign". The leucine amino acid residue is found in multiple mammalian species, which suggests that this missense change does not adversely affect protein function. In summary, the available evidence is currently insufficient to determine the role of this variant in disease. Therefore, it has been classified as a Variant of Uncertain Significance.

NM_014629.4(ARHGEF10):c.300C>A (p.Phe100Leu)

Gene: ARHGEF10 (Rho guanine nucleotide exchange factor 10; plus strand). Cytogenetic location: 8p23.3.
Variant type: single nucleotide variant.
Coding change: c.300C>A on transcript NM_014629.4 (MANE Select); coding-DNA position 300, C replaced by A.
Protein change: p.Phe100Leu; replaces phenylalanine 100 with leucine.
Molecular consequence: missense variant.
Genome position (GRCh38, 1-based): chr8:1,860,003, C>A. VCF-style: chr8-1860003-C-A. GRCh37 (hg19) VCF-style: chr8-1808169-C-A.
Other names: c.300C>A, p.Phe100Leu (NM_001308152.2, NM_001308153.3, NM_001438091.1 and 3 more transcripts); short protein forms F100L, F124L.
Identifiers: ClinVar variation 4799615 (VCV004799615.1).